The following is an entry in ClinVar:

NM_015047.3(EMC1):c.2531T>A (p.Ile844Asn)

Genes: EMC1 (ER membrane protein complex subunit 1; minus strand), EMC1-AS1 (EMC1 antisense RNA 1; plus strand). Cytogenetic location: 1p36.13.
Variant type: single nucleotide variant.
Coding change: c.2531T>A on transcript NM_015047.3 (MANE Select); coding-DNA position 2531, T replaced by A.
Protein change: p.Ile844Asn; replaces isoleucine 844 with asparagine.
Molecular consequence: missense variant.
Genome position (GRCh38, 1-based): chr1:19,222,680, A>T on the plus strand (T>A on the coding strand, the complement: EMC1 is on the minus strand). VCF-style: chr1-19222680-A-T. GRCh37 (hg19) VCF-style: chr1-19549174-A-T.
Other names: c.2528T>A, p.Ile843Asn (NM_001271427.2, NM_001271428.2); c.2465T>A, p.Ile822Asn (NM_001271429.2); c.2540T>A, p.Ile847Asn (NM_001375820.1); c.2537T>A, p.Ile846Asn (NM_001375821.1); short protein forms I822N, I844N, I846N, I847N, I843N.
Identifiers: ClinVar variation 1486861 (VCV001486861.9), dbSNP rs377010214, ClinGen allele CA652250.

ClinVar aggregate classification (germline): Uncertain significance (1 of 4 stars; one submission).

Allele frequency attached by ClinVar (database versions not stated): gnomAD exomes below 0.00001 and 0.00001; gnomAD 0.00001; ExAC 0.00002; TOPMed 0.00002; ESP Exome Variant Server 0.00008.
gnomAD v4.1: 7 of 1,613,962 alleles (0.00043%); highest among the groups gnomAD compares: South Asian, 0.0011%; no homozygotes.

Submission:

Labcorp Genetics (formerly Invitae), Labcorp
Classification: Uncertain significance. Last evaluated: 2022-02-05. Review status: criteria provided, single submitter. Criteria: Invitae Variant Classification Sherloc (09022015). Collection method: clinical testing. Allele origin: germline.
Comment: This sequence change replaces isoleucine, which is neutral and non-polar, with asparagine, which is neutral and polar, at codon 844 of the EMC1 protein (p.Ile844Asn). This variant is present in population databases (rs377010214, gnomAD 0.004%). This variant has not been reported in the literature in individuals affected with EMC1-related conditions. Algorithms developed to predict the effect of missense changes on protein structure and function (SIFT, PolyPhen-2, Align-GVGD) all suggest that this variant is likely to be disruptive. In summary, the available evidence is currently insufficient to determine the role of this variant in disease. Therefore, it has been classified as a Variant of Uncertain Significance.